The following is an entry in ClinVar:

ClinVar aggregate classification (germline): Uncertain significance (1 of 4 stars; one submission).

Conditions:
CHARGE syndrome (CHARGE). Also called: Hittner Hirsch Kreh syndrome; CHARGE ASSOCIATION--COLOBOMA, HEART ANOMALY, CHOANAL ATRESIA, RETARDATION, GENITAL AND EAR ANOMALIES; Coloboma, heart anomaly, choanal atresia, retardation, genital and ear anomalies; CHARGE association; Hall-Hittner syndrome. Identifiers: Orphanet 138, MedGen C0265354, MONDO:0008965.

Submission:

Labcorp Genetics (formerly Invitae), Labcorp
Classification: Uncertain significance for CHARGE syndrome. Last evaluated: 2023-03-18. Review status: criteria provided, single submitter. Criteria: Invitae Variant Classification Sherloc (09022015). Collection method: clinical testing. Allele origin: germline.
Comment: This variant has not been reported in the literature in individuals affected with CHD7-related conditions. This variant is not present in population databases (gnomAD no frequency). Advanced modeling of protein sequence and biophysical properties (such as structural, functional, and spatial information, amino acid conservation, physicochemical variation, residue mobility, and thermodynamic stability) performed at Invitae indicates that this missense variant is expected to disrupt CHD7 protein function. In summary, the available evidence is currently insufficient to determine the role of this variant in disease. Therefore, it has been classified as a Variant of Uncertain Significance. This sequence change replaces proline, which is neutral and non-polar, with serine, which is neutral and polar, at codon 2905 of the CHD7 protein (p.Pro2905Ser).

NM_017780.4(CHD7):c.8713C>T (p.Pro2905Ser)

Gene: CHD7 (chromodomain helicase DNA binding protein 7; plus strand). Cytogenetic location: 8q12.2.
Variant type: single nucleotide variant.
Coding change: c.8713C>T on transcript NM_017780.4 (MANE Select); coding-DNA position 8713, C replaced by T.
Protein change: p.Pro2905Ser; replaces proline 2905 with serine.
Molecular consequence: missense variant.
Genome position (GRCh38, 1-based): chr8:60,865,652, C>T. VCF-style: chr8-60865652-C-T. GRCh37 (hg19) VCF-style: chr8-61778211-C-T.
Other names: c.2566C>T, p.Pro856Ser (NM_001316690.1); short protein forms P2905S, P856S.
Identifiers: ClinVar variation 2722591 (VCV002722591.3), dbSNP rs2129768643, ClinGen allele CA371311167.